The following is an entry in ClinVar:

ClinVar aggregate classification (germline): Pathogenic (1 of 4 stars; one submission).

Conditions:
Fanconi anemia (FA). Also called: Fanconi's anemia. Identifiers: Orphanet 84, MedGen C0015625, MeSH D005199, MONDO:0019391.

Submission:

Labcorp Genetics (formerly Invitae), Labcorp
Classification: Pathogenic for Fanconi anemia. Last evaluated: 2026-01-16. Review status: criteria provided, single submitter. Criteria: Invitae Variant Classification Sherloc (09022015). Collection method: clinical testing. Allele origin: germline.
Comment: This sequence change creates a premature translational stop signal (p.Ser1329Phefs*46) in the SLX4 gene. It is expected to result in an absent or disrupted protein product. Loss-of-function variants in SLX4 are known to be pathogenic (PMID: 21240277). This variant is not present in population databases (gnomAD no frequency). This variant has not been reported in the literature in individuals affected with SLX4-related conditions. For these reasons, this variant has been classified as Pathogenic.

Literature cited by the submitters: PubMed 21240277.

NM_032444.4(SLX4):c.3986del (p.Ser1329fs)

Gene: SLX4 (SLX4 structure-specific endonuclease subunit; minus strand). Cytogenetic location: 16p13.3.
Variant type: Deletion.
Coding change: c.3986del on transcript NM_032444.4 (MANE Select); coding-DNA position 3986, one base deleted (C; older notation c.3986delC).
Protein change: p.Ser1329fs; shifts the reading frame from serine 1329.
Molecular consequence: frameshift variant.
Genome position (GRCh38, 1-based): chr16:3,589,652, G deleted on the plus strand (C on the coding strand, the reverse complement: SLX4 is on the minus strand). VCF-style (leftmost placement, unchanged base first): chr16-3589651-AG-A. GRCh37 (hg19) VCF-style: chr16-3639652-AG-A.
Other names: short protein forms S1329fs.
Identifiers: ClinVar variation 4741887 (VCV004741887.1).